The following is an entry in ClinVar:

NM_006096.4(NDRG1):c.1072G>A (p.Glu358Lys)

Gene: NDRG1 (N-myc downstream regulated 1; minus strand). Cytogenetic location: 8q24.22.
Variant type: single nucleotide variant.
Coding change: c.1072G>A on transcript NM_006096.4 (MANE Select); coding-DNA position 1072, G replaced by A.
Protein change: p.Glu358Lys; replaces glutamic acid 358 with lysine.
Molecular consequence: missense variant.
Genome position (GRCh38, 1-based): chr8:133,238,991, C>T on the plus strand (G>A on the coding strand, the complement: NDRG1 is on the minus strand). VCF-style: chr8-133238991-C-T. GRCh37 (hg19) VCF-style: chr8-134251234-C-T.
Other names: c.1072G>A, p.Glu358Lys (NM_001135242.2, NM_001374845.1, NM_001374846.1); c.874G>A, p.Glu292Lys (NM_001258432.2, NM_001374847.1); c.829G>A, p.Glu277Lys (NM_001258433.2); c.1123G>A, p.Glu375Lys (NM_001374844.1); short protein forms E358K, E375K, E277K, E292K.
Identifiers: ClinVar variation 1401744 (VCV001401744.6), dbSNP rs2130655766, ClinGen allele CA372254405.

ClinVar aggregate classification (germline): Uncertain significance (1 of 4 stars; one submission).

Conditions:
Charcot-Marie-Tooth disease type 4. Also called: Charcot-Marie-Tooth disease, type IV; Charcot-Marie-Tooth, Type 4. Identifiers: Orphanet 64749, MedGen C4082197, MONDO:0018995.

Allele frequency attached by ClinVar (database versions not stated): gnomAD exomes 0.00001.
gnomAD v4.1: 10 of 1,594,524 alleles (0.00063%); highest among the groups gnomAD compares: Middle Eastern, 0.017%; no homozygotes.

Submission:

Labcorp Genetics (formerly Invitae), Labcorp
Classification: Uncertain significance for Charcot-Marie-Tooth disease type 4. Last evaluated: 2025-06-02. Review status: criteria provided, single submitter. Criteria: Invitae Variant Classification Sherloc (09022015). Collection method: clinical testing. Allele origin: germline.
Comment: This sequence change replaces glutamic acid, which is acidic and polar, with lysine, which is basic and polar, at codon 358 of the NDRG1 protein (p.Glu358Lys). This variant is not present in population databases (gnomAD no frequency). This variant has not been reported in the literature in individuals affected with NDRG1-related conditions. ClinVar contains an entry for this variant (Variation ID: 1401744). An algorithm developed to predict the effect of missense changes on protein structure and function (PolyPhen-2) suggests that this variant is likely to be disruptive. In summary, the available evidence is currently insufficient to determine the role of this variant in disease. Therefore, it has been classified as a Variant of Uncertain Significance.